The following is an entry in ClinVar:

NM_001382430.1(AKT1):c.641A>G (p.Lys214Arg)

Gene: AKT1 (AKT serine/threonine kinase 1; minus strand). Cytogenetic location: 14q32.33.
Variant type: single nucleotide variant.
Coding change: c.641A>G on transcript NM_001382430.1 (MANE Select); coding-DNA position 641, A replaced by G.
Protein change: p.Lys214Arg; replaces lysine 214 with arginine.
Molecular consequence: missense variant.
Genome position (GRCh38, 1-based): chr14:104,773,973, T>C on the plus strand (A>G on the coding strand, the complement: AKT1 is on the minus strand). VCF-style: chr14-104773973-T-C. GRCh37 (hg19) VCF-style: chr14-105240310-T-C.
Other names: c.641A>G, p.Lys214Arg (NM_001014431.2, NM_001014432.2, NM_001382431.1 and 3 more transcripts); short protein forms K214R.
Identifiers: ClinVar variation 1053790 (VCV001053790.9), dbSNP rs2140910262, ClinGen allele CA391218963.
Genomic context (GRCh38, chr14:104,773,973, plus strand): 5'-TCGCCCCCGTTGGCGTACTCCATGACAAAGCAGAGGCGGTCGTGGGTCTGGAAAGAGTAC[T>C]TCAGGGCCTGCAAGGAAGGGGAGCTGGAACTGCGGCCCCACAGGCAGGACGGCAGCCCCG-3'
Protein context (NP_001369359.1, residues 204-224): NSRHPFLTAL[Lys214Arg]YSFQTHDRLC

ClinVar aggregate classification (germline): Uncertain significance (1 of 4 stars; one submission).

Conditions:
Cowden syndrome 6 (CWS6). Identifiers: Orphanet 201, MedGen C3554519, MONDO:0014048, OMIM 615109.

Submission:

Labcorp Genetics (formerly Invitae), Labcorp
Classification: Uncertain significance for Cowden syndrome 6. Last evaluated: 2020-01-15. Review status: criteria provided, single submitter. Criteria: Invitae Variant Classification Sherloc (09022015). Collection method: clinical testing. Allele origin: germline.
Comment: Algorithms developed to predict the effect of missense changes on protein structure and function (SIFT, PolyPhen-2, Align-GVGD) all suggest that this variant is likely to be disruptive, but these predictions have not been confirmed by published functional studies and their clinical significance is uncertain. This sequence change replaces lysine with arginine at codon 214 of the AKT1 protein (p.Lys214Arg). The lysine residue is highly conserved and there is a small physicochemical difference between lysine and arginine. This variant is not present in population databases (ExAC no frequency). This variant has not been reported in the literature in individuals with AKT1-related conditions. In summary, the available evidence is currently insufficient to determine the role of this variant in disease. Therefore, it has been classified as a Variant of Uncertain Significance.